The following is an entry in ClinVar:

ClinVar aggregate classification (germline): Uncertain significance (1 of 4 stars; one submission).

Submission:

GeneDx
Classification: Uncertain significance. Last evaluated: 2023-06-14. Review status: criteria provided, single submitter. Criteria: GeneDx Variant Classification Process June 2021. Collection method: clinical testing. Allele origin: germline.
Comment: Not observed at significant frequency in large population cohorts (gnomAD); In silico analysis supports that this missense variant has a deleterious effect on protein structure/function; Has not been previously published as pathogenic or benign to our knowledge

NM_007118.4(TRIO):c.6143T>C (p.Phe2048Ser)

Gene: TRIO (trio Rho guanine nucleotide exchange factor; plus strand). Cytogenetic location: 5p15.2.
Variant type: single nucleotide variant.
Coding change: c.6143T>C on transcript NM_007118.4 (MANE Select); coding-DNA position 6143, T replaced by C.
Protein change: p.Phe2048Ser; replaces phenylalanine 2048 with serine.
Molecular consequence: missense variant. On other transcripts: non-coding transcript variant (1).
Genome position (GRCh38, 1-based): chr5:14,476,953, T>C. VCF-style: chr5-14476953-T-C. GRCh37 (hg19) VCF-style: chr5-14477062-T-C.
Other names: short protein forms F2048S.
Identifiers: ClinVar variation 2430891 (VCV002430891.2), dbSNP rs2533603141, ClinGen allele CA359232547.